The following is an entry in ClinVar:

ClinVar aggregate classification (germline): Uncertain significance. Review status: criteria provided, multiple submitters, no conflicts (2 of 4 stars). 2 submissions from 2 submitters: Uncertain significance (2). Last evaluated 2026-09-01.

Conditions:
Tietz syndrome (TADS). Also called: ALBINISM-DEAFNESS OF TIETZ; HYPOPIGMENTATION/DEAFNESS OF TIETZ; TIETZ ALBINISM-DEAFNESS SYNDROME. Identifiers: Orphanet 42665, MedGen C0391816, MONDO:0007077, OMIM 103500.
Waardenburg syndrome type 2A (WS2A). Also called: WAARDENBURG SYNDROME WITHOUT DYSTOPIA CANTHORUM. Identifiers: Orphanet 3440, MedGen C1860339, MONDO:0008671, OMIM 193510.
Melanoma, cutaneous malignant, susceptibility to, 8. Also called: Cutaneous malignant melanoma 8; MELANOMA AND RENAL CELL CARCINOMA, SUSCEPTIBILITY TO. Identifiers: Orphanet 293822, MedGen C3152204, MONDO:0013759, OMIM 614456.

Allele frequency attached by ClinVar (database versions not stated): TOPMed 0.00006; gnomAD 0.00007; ESP Exome Variant Server 0.00008; gnomAD exomes 0.00013; ExAC 0.00024.
gnomAD v4.1: 227 of 1,601,260 alleles (0.014%); highest among the groups gnomAD compares: Non-Finnish European, 0.018%; 1 homozygote.

Submissions (2):

GeneDx
Classification: Uncertain significance. Last evaluated: 2026-09-01. Review status: criteria provided, single submitter. Criteria: GeneDx Variant Classification Process June 2021. Collection method: clinical testing. Allele origin: germline.
Comment: In silico analysis supports that this missense variant has a deleterious effect on protein structure/function; Has not been previously published as pathogenic or benign to our knowledge; This variant is associated with the following publications: (PMID: 31367589)

Labcorp Genetics (formerly Invitae), Labcorp
Classification: Uncertain significance for Melanoma, cutaneous malignant, susceptibility to, 8; Waardenburg syndrome type 2A; Tietz syndrome. Last evaluated: 2025-12-10. Review status: criteria provided, single submitter. Criteria: Invitae Variant Classification Sherloc (09022015). Collection method: clinical testing. Allele origin: germline.
Comment: This sequence change replaces threonine, which is neutral and polar, with methionine, which is neutral and non-polar, at codon 147 of the MITF protein (p.Thr147Met). This variant is present in population databases (rs201247895, gnomAD 0.02%). This variant has not been reported in the literature in individuals affected with MITF-related conditions. ClinVar contains an entry for this variant (Variation ID: 1215164). An algorithm developed to predict the effect of missense changes on protein structure and function (PolyPhen-2) suggests that this variant is likely to be disruptive. In summary, the available evidence is currently insufficient to determine the role of this variant in disease. Therefore, it has been classified as a Variant of Uncertain Significance.

NM_001354604.2(MITF):c.761C>T (p.Thr254Met)

Gene: MITF (melanocyte inducing transcription factor; plus strand). Cytogenetic location: 3p13.
Variant type: single nucleotide variant.
Coding change: c.761C>T on transcript NM_001354604.2 (MANE Select); coding-DNA position 761, C replaced by T.
Protein change: p.Thr254Met; replaces threonine 254 with methionine.
Molecular consequence: missense variant.
Genome position (GRCh38, 1-based): chr3:69,941,330, C>T. VCF-style: chr3-69941330-C-T. GRCh37 (hg19) VCF-style: chr3-69990481-C-T.
Other names: c.440C>T, p.Thr147Met (NM_000248.4, NM_198158.3); c.605C>T, p.Thr202Met (NM_001184967.2, NM_001354608.2); c.758C>T, p.Thr253Met (NM_001354605.2, NM_001354606.2, NM_006722.3); c.710C>T, p.Thr237Met (NM_001354607.2); c.761C>T, p.Thr254Met (NM_198159.3); c.713C>T, p.Thr238Met (NM_198177.3); c.272C>T, p.Thr91Met (NM_198178.3); short protein forms T147M, T202M, T237M, T238M, T253M, T254M, T91M.
Identifiers: ClinVar variation 1215164 (VCV001215164.14), dbSNP rs201247895, ClinGen allele CA2490452.